The following is an entry in ClinVar:

ClinVar aggregate classification (germline): Uncertain significance (1 of 4 stars; one submission).

Conditions:
Severe dermatitis-multiple allergies-metabolic wasting syndrome. Also called: SEVERE DERMATITIS, MULTIPLE ALLERGIES, AND METABOLIC WASTING SYNDROME; SAM SYNDROME; Erythroderma, congenital, with palmoplantar keratoderma, hypotrichosis, and hyper-ige; ERYTHRODERMA, CONGENITAL, WITH PALMOPLANTAR KERATODERMA, HYPOTRICHOSIS, RECURRENT INFECTIONS, AND MULTIPLE FOOD ALLERGIES. Identifiers: Orphanet 369992, MedGen C3809719, MONDO:0014218, OMIM 615508.

gnomAD v4.1: 9 of 1,613,800 alleles (0.00056%); highest among the groups gnomAD compares: South Asian, 0.0099%; no homozygotes.

Submission:

3billion
Classification: Uncertain significance for Severe dermatitis-multiple allergies-metabolic wasting syndrome. Last evaluated: 2026-01-13. Review status: criteria provided, single submitter. Criteria: ACMG Guidelines, 2015. Collection method: clinical testing. Allele origin: germline. Affected: yes.
Comment: The variant is observed at an extremely low frequency in the gnomAD v4.1.0 dataset (total allele frequency: <0.001%). Predicted Consequence/Location: Intron variant In silico tools predict the variant to alter splicing and produce an abnormal transcript [SpliceAI: 0.56 (>=0.2, moderate evidence for spliceogenicity)]. Therefore, this variant is classified as VUS according to the recommendation of ACMG/AMP guideline.

NM_001942.4(DSG1):c.685-3T>A

Gene: DSG1 (desmoglein 1; plus strand). Cytogenetic location: 18q12.1.
Variant type: single nucleotide variant.
Coding change: c.685-3T>A on transcript NM_001942.4 (MANE Select); 3 bases into the intron before coding-DNA position 685, T replaced by A.
Molecular consequence: intron variant.
Genome position (GRCh38, 1-based): chr18:31,333,586, T>A. VCF-style: chr18-31333586-T-A. GRCh37 (hg19) VCF-style: chr18-28913549-T-A.
Identifiers: ClinVar variation 4854915 (VCV004854915.1).